The following is an entry in ClinVar:

NM_001377.3(DYNC2H1):c.2343C>G (p.Tyr781Ter)

Gene: DYNC2H1 (dynein cytoplasmic 2 heavy chain 1; plus strand). Cytogenetic location: 11q22.3.
Variant type: single nucleotide variant.
Coding change: c.2343C>G on transcript NM_001377.3 (MANE Select); coding-DNA position 2343, C replaced by G.
Protein change: p.Tyr781Ter; replaces tyrosine 781 with a stop codon.
Molecular consequence: nonsense.
Genome position (GRCh38, 1-based): chr11:103,135,632, C>G. VCF-style: chr11-103135632-C-G. GRCh37 (hg19) VCF-style: chr11-103006361-C-G.
Other names: c.2343C>G, p.Tyr781Ter (NM_001080463.2); short protein forms Y781*.
Identifiers: ClinVar variation 631646 (VCV000631646.8), dbSNP rs1266078341, ClinGen allele CA382260060.

ClinVar aggregate classification (germline): Pathogenic. Review status: criteria provided, multiple submitters, no conflicts (2 of 4 stars). 2 submissions from 2 submitters: Pathogenic (2). Last evaluated 2024-04-24.

Conditions:
Asphyxiating thoracic dystrophy 3. Also called: Saldino-Noonan Syndrome; SHORT-RIB THORACIC DYSPLASIA 3 WITH OR WITHOUT POLYDACTYLY; POLYDACTYLY WITH NEONATAL CHONDRODYSTROPHY, TYPE I; SHORT-RIB THORACIC DYSPLASIA 3/6 WITH POLYDACTYLY, DIGENIC; Short rib polydactyly syndrome 2B. Identifiers: Orphanet 474, Orphanet 93269, Orphanet 93270, Orphanet 93271, MedGen C0036069, MONDO:0013127, OMIM 613091.
Jeune thoracic dystrophy. Also called: Short-rib thoracic dysplasia; Jeune syndrome; Infantile thoracic dystrophy; Thoracic pelvic phalangeal dystrophy; Jeune's syndrome; Chondroectodermal dysplasia-like syndrome. Identifiers: Orphanet 474, MedGen C0265275, MONDO:0018770.

Allele frequency attached by ClinVar (database versions not stated): gnomAD exomes 0.00001; gnomAD 0.00001; TOPMed 0.00001.
gnomAD v4.1: 17 of 1,611,374 alleles (0.0011%); highest among the groups gnomAD compares: Non-Finnish European, 0.0013%; no homozygotes.

Submissions (2):

Myriad Genetics, Inc.
Classification: Pathogenic for Asphyxiating thoracic dystrophy 3. Last evaluated: 2024-04-24. Review status: criteria provided, single submitter. Criteria: Myriad Autosomal Dominant, Autosomal Recessive and X-Linked Classification Criteria (2023). Collection method: clinical testing. Allele origin: unknown.
Comment: NM_001377.2(DYNC2H1):c.2343C>G(Y781*) is expected to be pathogenic in the context of DYNC2H1-related disorders. This variant is predicted to lead to an abnormal or absent protein product due to the creation of a premature termination codon in DYNC2H1, a gene where loss-of-function variants are known to be pathogenic. Please note: this variant was assessed in the context of healthy population screening.

Labcorp Genetics (formerly Invitae), Labcorp
Classification: Pathogenic for Jeune thoracic dystrophy. Last evaluated: 2023-02-14. Review status: criteria provided, single submitter. Criteria: Invitae Variant Classification Sherloc (09022015). Collection method: clinical testing. Allele origin: germline.
Comment: For these reasons, this variant has been classified as Pathogenic. Algorithms developed to predict the effect of sequence changes on RNA splicing suggest that this variant may disrupt the consensus splice site. ClinVar contains an entry for this variant (Variation ID: 631646). This variant has not been reported in the literature in individuals affected with DYNC2H1-related conditions. This variant is not present in population databases (gnomAD no frequency). This sequence change creates a premature translational stop signal (p.Tyr781*) in the DYNC2H1 gene. It is expected to result in an absent or disrupted protein product. Loss-of-function variants in DYNC2H1 are known to be pathogenic (PMID: 23339108, 32753734).

Literature cited by the submitters: PubMed 23339108 (cited by Labcorp Genetics (formerly Invitae), Labcorp); PubMed 32753734 (cited by Labcorp Genetics (formerly Invitae), Labcorp).